The following is an entry in ClinVar:

ClinVar aggregate classification (germline): Uncertain significance (1 of 4 stars; one submission).

Submission:

Labcorp Genetics (formerly Invitae), Labcorp
Classification: Uncertain significance. Last evaluated: 2025-07-14. Review status: criteria provided, single submitter. Criteria: Invitae Variant Classification Sherloc (09022015). Collection method: clinical testing. Allele origin: germline.
Comment: This sequence change replaces phenylalanine, which is neutral and non-polar, with leucine, which is neutral and non-polar, at codon 218 of the AIMP2 protein (p.Phe218Leu). This variant is not present in population databases (gnomAD no frequency). This variant has not been reported in the literature in individuals affected with AIMP2-related conditions. ClinVar contains an entry for this variant (Variation ID: 1946194). An algorithm developed to predict the effect of missense changes on protein structure and function (PolyPhen-2) suggests that this variant is likely to be disruptive. In summary, the available evidence is currently insufficient to determine the role of this variant in disease. Therefore, it has been classified as a Variant of Uncertain Significance.

NM_006303.4(AIMP2):c.654C>G (p.Phe218Leu)

Genes: AIMP2 (aminoacyl tRNA synthetase complex interacting multifunctional protein 2; plus strand), EIF2AK1 (eukaryotic translation initiation factor 2 alpha kinase 1; minus strand). Cytogenetic location: 7p22.1.
Variant type: single nucleotide variant.
Coding change: c.654C>G on transcript NM_006303.4 (MANE Select); coding-DNA position 654, C replaced by G.
Protein change: p.Phe218Leu; replaces phenylalanine 218 with leucine.
Molecular consequence: missense variant. On other transcripts: 3 prime UTR variant (2).
Genome position (GRCh38, 1-based): chr7:6,023,382, C>G. VCF-style: chr7-6023382-C-G. GRCh37 (hg19) VCF-style: chr7-6063013-C-G.
Other names: c.*1291G>C (NM_001134335.2, NM_014413.4); c.534C>G, p.Phe178Leu (NM_001326606.2); c.447C>G, p.Phe149Leu (NM_001326607.2); c.420C>G, p.Phe140Leu (NM_001326609.2, NM_001326610.2, NM_001326611.3); c.567C>G, p.Phe189Leu (NM_001362785.2); c.522C>G, p.Phe174Leu (NM_001362787.2); short protein forms F149L, F189L, F140L, F174L, F178L, F218L.
Identifiers: ClinVar variation 1946194 (VCV001946194.5), dbSNP rs2536857516, ClinGen allele CA366747706.